The following is an entry in ClinVar:

ClinVar aggregate classification (germline): Uncertain significance (1 of 4 stars; one submission).

Conditions:
Rubinstein-Taybi syndrome due to EP300 haploinsufficiency. Also called: EP300-Related Rubinstein-Taybi Syndrome; RUBINSTEIN-TAYBI SYNDROME 2. Identifiers: Orphanet 353284, Orphanet 783, MedGen C3150941, MONDO:0013364, OMIM 613684.

Allele frequency attached by ClinVar (database versions not stated): gnomAD exomes below 0.00001.

Submission:

Labcorp Genetics (formerly Invitae), Labcorp
Classification: Uncertain significance for Rubinstein-Taybi syndrome due to EP300 haploinsufficiency. Last evaluated: 2022-11-01. Review status: criteria provided, single submitter. Criteria: Invitae Variant Classification Sherloc (09022015). Collection method: clinical testing. Allele origin: germline.
Comment: In summary, the available evidence is currently insufficient to determine the role of this variant in disease. Therefore, it has been classified as a Variant of Uncertain Significance. Advanced modeling of protein sequence and biophysical properties (such as structural, functional, and spatial information, amino acid conservation, physicochemical variation, residue mobility, and thermodynamic stability) performed at Invitae indicates that this missense variant is not expected to disrupt EP300 protein function. This variant has not been reported in the literature in individuals affected with EP300-related conditions. This variant is not present in population databases (gnomAD no frequency). This sequence change replaces glycine, which is neutral and non-polar, with glutamic acid, which is acidic and polar, at codon 518 of the EP300 protein (p.Gly518Glu).

NM_001429.4(EP300):c.1553G>A (p.Gly518Glu)

Gene: EP300 (EP300 lysine acetyltransferase; plus strand). Cytogenetic location: 22q13.2.
Variant type: single nucleotide variant.
Coding change: c.1553G>A on transcript NM_001429.4 (MANE Select); coding-DNA position 1553, G replaced by A.
Protein change: p.Gly518Glu; replaces glycine 518 with glutamic acid.
Molecular consequence: missense variant.
Genome position (GRCh38, 1-based): chr22:41,135,837, G>A. VCF-style: chr22-41135837-G-A. GRCh37 (hg19) VCF-style: chr22-41531841-G-A.
Other names: c.1553G>A, p.Gly518Glu (NM_001362843.2); short protein forms G518E.
Identifiers: ClinVar variation 2080233 (VCV002080233.4), dbSNP rs2518139144, ClinGen allele CA411686663.
Genomic context (GRCh38, chr22:41,135,837, plus strand): 5'-TTTATTTCTGTCTCCTGTTATTTCATTTTGACTTAGGTGCTAGTCCTATGGGAGTAAATG[G>A]AGGTGTAGGAGTTCAAACGCCGAGTCTTCTTTCTGACTCAATGTTGCATTCAGCCATAAA-3'
Protein context (NP_001420.2, residues 508-528): NMSASPMGVN[Gly518Glu]GVGVQTPSLL